The following is an entry in ClinVar:

ClinVar aggregate classification (germline): Uncertain significance (1 of 4 stars; one submission).

Conditions:
MHC class II deficiency. Also called: BLS, TYPE II; Bare lymphocyte syndrome 2. Identifiers: Orphanet 572, MedGen C5447452, MONDO:0008855.

Submission:

Labcorp Genetics (formerly Invitae), Labcorp
Classification: Uncertain significance for MHC class II deficiency. Last evaluated: 2022-06-04. Review status: criteria provided, single submitter. Criteria: Invitae Variant Classification Sherloc (09022015). Collection method: clinical testing. Allele origin: germline.
Comment: In summary, the available evidence is currently insufficient to determine the role of this variant in disease. Therefore, it has been classified as a Variant of Uncertain Significance. Algorithms developed to predict the effect of missense changes on protein structure and function (SIFT, PolyPhen-2, Align-GVGD) all suggest that this variant is likely to be tolerated. ClinVar contains an entry for this variant (Variation ID: 836633). This variant has not been reported in the literature in individuals affected with RFXAP-related conditions. This variant is not present in population databases (gnomAD no frequency). This sequence change replaces alanine, which is neutral and non-polar, with threonine, which is neutral and polar, at codon 59 of the RFXAP protein (p.Ala59Thr).

NM_000538.4(RFXAP):c.175G>A (p.Ala59Thr)

Gene: RFXAP (regulatory factor X associated protein; plus strand). Cytogenetic location: 13q13.3.
Variant type: single nucleotide variant.
Coding change: c.175G>A on transcript NM_000538.4 (MANE Select); coding-DNA position 175, G replaced by A.
Protein change: p.Ala59Thr; replaces alanine 59 with threonine.
Molecular consequence: missense variant.
Genome position (GRCh38, 1-based): chr13:36,819,532, G>A. VCF-style: chr13-36819532-G-A. GRCh37 (hg19) VCF-style: chr13-37393669-G-A.
Other names: short protein forms A59T.
Identifiers: ClinVar variation 836633 (VCV000836633.8), dbSNP rs867140153, ClinGen allele CA387853608.